The following is an entry in ClinVar:

NM_024426.6(WT1):c.79C>T (p.Pro27Ser)

Genes: WT1 (WT1 transcription factor; minus strand), LOC107982234 (WT1/WT1-AS bi-directional promoter region; plus strand). Cytogenetic location: 11p13.
Variant type: single nucleotide variant.
Coding change: c.79C>T on transcript NM_024426.6 (MANE Select); coding-DNA position 79, C replaced by T.
Protein change: p.Pro27Ser; replaces proline 27 with serine.
Molecular consequence: missense variant. On other transcripts: non-coding transcript variant (2).
Genome position (GRCh38, 1-based): chr11:32,435,282, G>A on the plus strand (C>T on the coding strand, the complement: WT1 is on the minus strand). VCF-style: chr11-32435282-G-A. GRCh37 (hg19) VCF-style: chr11-32456828-G-A.
Other names: c.79C>T, p.Pro27Ser (NM_000378.6, NM_001407044.1, NM_001407045.1 and 6 more transcripts); c.-141C>T (NM_001429031.1, NM_001429032.1, NM_001429033.1 and 1 more transcripts); c.64C>T, p.Pro22Ser (NM_024425.2); short protein forms P22S, P27S.
Identifiers: ClinVar variation 3072554 (VCV003072554.1), dbSNP rs1853479940, ClinGen allele CA379966432.

ClinVar aggregate classification (germline): Uncertain significance (1 of 4 stars; one submission).

Conditions:
Wilms tumor 1 (WT1). Also called: Wilms tumor, somatic. Identifiers: Orphanet 654, MedGen CN033288, MONDO:0008679, OMIM 194070.

Submission:

All of Us Research Program, National Institutes of Health
Classification: Uncertain significance for Wilms tumor 1. Last evaluated: 2023-08-08. Review status: criteria provided, single submitter. Criteria: ACMG Guidelines, 2015. Collection method: clinical testing. Allele origin: germline. Inheritance: Autosomal dominant inheritance. Observed: 1 variant allele, 1 heterozygote.
Comment: This missense variant replaces proline with serine at codon 22 of the WT1 protein. Computational prediction suggests that this variant may not impact protein structure and function (internally defined REVEL score threshold <= 0.5, PMID: 27666373). To our knowledge, functional studies have not been reported for this variant. This variant has not been reported in individuals affected with WT1-related disorders in the literature. This variant has not been identified in the general population by the Genome Aggregation Database (gnomAD). The available evidence is insufficient to determine the role of this variant in disease conclusively. Therefore, this variant is classified as a Variant of Uncertain Significance.

This study involves interpretation of variants in research participants for the purpose of population health screening. Participant phenotype was not available at the time of variant classification. Additional details can be found in publication PMID: 35346344, PMCID: PMC8962531